The following is an entry in ClinVar:

ClinVar aggregate classification (germline): Pathogenic/Likely pathogenic. Review status: criteria provided, multiple submitters, no conflicts (2 of 4 stars). 3 submissions from 3 submitters: Pathogenic (1); Likely pathogenic (2). Last evaluated 2023-11-03.

Conditions:
Autosomal recessive nonsyndromic hearing loss 3. Also called: NEUROSENSORY NONSYNDROMIC RECESSIVE DEAFNESS 3. Identifiers: Orphanet 90636, MedGen C1838263, MONDO:0010860, OMIM 600316.

Allele frequency attached by ClinVar (database versions not stated): gnomAD exomes below 0.00001.
gnomAD v4.1: 3 of 1,614,112 alleles (0.00019%); highest among the groups gnomAD compares: Middle Eastern, 0.05%; no homozygotes.

Submissions (3):

Labcorp Genetics (formerly Invitae), Labcorp
Classification: Likely pathogenic. Last evaluated: 2023-11-03. Review status: criteria provided, single submitter. Criteria: Invitae Variant Classification Sherloc (09022015). Collection method: clinical testing. Allele origin: germline.
Comment: This sequence change replaces aspartic acid, which is acidic and polar, with asparagine, which is neutral and polar, at codon 2823 of the MYO15A protein (p.Asp2823Asn). This variant is present in population databases (no rsID available, gnomAD 0.0009%). This missense change has been observed in individuals with autosomal recessive deafness (PMID: 22736430, 24105371, 25788563, 33398081). It has also been observed to segregate with disease in related individuals. ClinVar contains an entry for this variant (Variation ID: 236053). Advanced modeling of protein sequence and biophysical properties (such as structural, functional, and spatial information, amino acid conservation, physicochemical variation, residue mobility, and thermodynamic stability) has been performed at Invitae for this missense variant, however the output from this modeling did not meet the statistical confidence thresholds required to predict the impact of this variant on MYO15A protein function. Algorithms developed to predict the effect of sequence changes on RNA splicing suggest that this variant may disrupt the consensus splice site. In summary, the currently available evidence indicates that the variant is pathogenic, but additional data are needed to prove that conclusively. Therefore, this variant has been classified as Likely Pathogenic.

Laboratory of Prof. Karen Avraham, Tel Aviv University
Classification: Pathogenic for Autosomal recessive nonsyndromic hearing loss 3. Last evaluated: 2020-10-27. Review status: criteria provided, single submitter. Criteria: ACMG Guidelines, 2015. Collection method: research. Allele origin: germline. Affected: yes.
Comment: Recessive, congenital SNHL

Homozygous; compound heterozygous with NM_016239.4:c.9861C>T

Genetics Research Center, University of Social Welfare and Rehabilitation Sciences
Classification: Likely pathogenic for Autosomal recessive nonsyndromic hearing loss 3. Review status: criteria provided, single submitter. Criteria: ACMG Guidelines, 2015. Collection method: research. Allele origin: germline. Affected: yes.
Comment: The variant is present in the gnomAD v2.1.1 dataset at a very low allele frequency (0.0004%) and has been previously reported in individual(s) affected with MYO15A-related hearing loss (PMID:31579092, 30953472, 24206587, 33398081, 22736430, 25788563). It has also been observed to segregate with disease in related individuals. Multiple in silico prediction tools suggest that the variant is damaging to protein function.

Literature cited by the submitters: PubMed 22736430 (cited by 3 submitters); PubMed 24105371 (cited by Labcorp Genetics (formerly Invitae), Labcorp and Laboratory of Prof. Karen Avraham, Tel Aviv University); PubMed 25788563 (cited by Labcorp Genetics (formerly Invitae), Labcorp and Genetics Research Center, University of Social Welfare and Rehabilitation Sciences); PubMed 33398081 (cited by Labcorp Genetics (formerly Invitae), Labcorp and Genetics Research Center, University of Social Welfare and Rehabilitation Sciences); PubMed 31579092 (cited by Genetics Research Center, University of Social Welfare and Rehabilitation Sciences); PubMed 30953472 (cited by Genetics Research Center, University of Social Welfare and Rehabilitation Sciences); PubMed 24206587 (cited by Genetics Research Center, University of Social Welfare and Rehabilitation Sciences).

NM_016239.4(MYO15A):c.8467G>A (p.Asp2823Asn)

Gene: MYO15A (myosin XVA; plus strand). Cytogenetic location: 17p11.2.
Variant type: single nucleotide variant.
Coding change: c.8467G>A on transcript NM_016239.4 (MANE Select); coding-DNA position 8467, G replaced by A.
Protein change: p.Asp2823Asn; replaces aspartic acid 2823 with asparagine.
Molecular consequence: missense variant.
Genome position (GRCh38, 1-based): chr17:18,156,202, G>A. VCF-style: chr17-18156202-G-A. GRCh37 (hg19) VCF-style: chr17-18059516-G-A.
Other names: short protein forms D2823N.
Identifiers: ClinVar variation 236053 (VCV000236053.6), dbSNP rs878853238, ClinGen allele CA10581514.